The following is an entry in ClinVar:

NM_001079668.3(NKX2-1):c.206C>A (p.Ala69Glu)

Genes: NKX2-1 (NK2 homeobox 1; minus strand), SFTA3 (surfactant associated 3; minus strand). Cytogenetic location: 14q13.3.
Variant type: single nucleotide variant.
Coding change: c.206C>A on transcript NM_001079668.3 (MANE Select); coding-DNA position 206, C replaced by A.
Protein change: p.Ala69Glu; replaces alanine 69 with glutamic acid.
Molecular consequence: missense variant.
Genome position (GRCh38, 1-based): chr14:36,519,242, G>T on the plus strand (C>A on the coding strand, the complement: NKX2-1 is on the minus strand). VCF-style: chr14-36519242-G-T. GRCh37 (hg19) VCF-style: chr14-36988447-G-T.
Other names: c.116C>A, p.Ala39Glu (NM_003317.4); short protein forms A39E, A69E.
Identifiers: ClinVar variation 2129965 (VCV002129965.4), dbSNP rs1004953614, ClinGen allele CA258878650.

ClinVar aggregate classification (germline): Uncertain significance (1 of 4 stars; one submission).

gnomAD v4.1: 3 of 1,609,330 alleles (0.00019%); highest among the groups gnomAD compares: Non-Finnish European, 0.00017%; no homozygotes.

Submission:

Labcorp Genetics (formerly Invitae), Labcorp
Classification: Uncertain significance. Last evaluated: 2022-08-20. Review status: criteria provided, single submitter. Criteria: Invitae Variant Classification Sherloc (09022015). Collection method: clinical testing. Allele origin: germline.
Comment: In summary, the available evidence is currently insufficient to determine the role of this variant in disease. Therefore, it has been classified as a Variant of Uncertain Significance. Algorithms developed to predict the effect of missense changes on protein structure and function are either unavailable or do not agree on the potential impact of this missense change (SIFT: "Tolerated"; PolyPhen-2: "Possibly Damaging"; Align-GVGD: "Class C0"). This variant has not been reported in the literature in individuals affected with NKX2-1-related conditions. This variant is not present in population databases (gnomAD no frequency). This sequence change replaces alanine, which is neutral and non-polar, with glutamic acid, which is acidic and polar, at codon 69 of the NKX2-1 protein (p.Ala69Glu).